The following is an entry in ClinVar:

ClinVar aggregate classification (germline): Pathogenic/Likely pathogenic. Review status: criteria provided, multiple submitters, no conflicts (2 of 4 stars). 3 submissions from 3 submitters: Pathogenic (1); Likely pathogenic (2). Last evaluated 2025-09-29.

Conditions:
Intellectual disability, autosomal recessive 53 (NEDHSCA). Also called: GLYCOSYLPHOSPHATIDYLINOSITOL BIOSYNTHESIS DEFECT 13; Mental retardation, autosomal recessive 53; NEURODEVELOPMENTAL DISORDER WITH OR WITHOUT HYPOTONIA, SEIZURES, AND CEREBELLAR ATROPHY. Identifiers: Orphanet 488635, MedGen C4310794, MONDO:0014832, OMIM 616917.

gnomAD v4.1: 5 of 1,613,850 alleles (0.00031%); highest among the groups gnomAD compares: Non-Finnish European, 0.00042%; no homozygotes.

Submissions (3):

First Genomix Gene Laboratory, Genetic Diagnostics Department
Classification: Likely pathogenic for Intellectual disability, autosomal recessive 53. Last evaluated: 2025-09-29. Review status: criteria provided, single submitter. Criteria: ACMG Guidelines, 2015. Collection method: clinical testing. Allele origin: germline. Inheritance: Autosomal recessive inheritance. Affected: no. Observed: 1 variant allele.

GeneDx
Classification: Likely pathogenic. Last evaluated: 2023-08-22. Review status: criteria provided, single submitter. Criteria: GeneDx Variant Classification Process June 2021. Collection method: clinical testing. Allele origin: germline. Affected: yes.
Comment: Nonsense variant predicted to result in protein truncation or nonsense mediated decay in a gene for which loss of function is a known mechanism of disease; Not observed at significant frequency in large population cohorts (gnomAD); Has not been previously published as pathogenic or benign to our knowledge; This variant is associated with the following publications: (PMID: 28771251, 26996948, 28581210)

Labcorp Genetics (formerly Invitae), Labcorp
Classification: Pathogenic for Intellectual disability, autosomal recessive 53. Last evaluated: 2020-10-28. Review status: criteria provided, single submitter. Criteria: Invitae Variant Classification Sherloc (09022015). Collection method: clinical testing. Allele origin: germline.
Comment: For these reasons, this variant has been classified as Pathogenic. Algorithms developed to predict the effect of sequence changes on RNA splicing suggest that this variant may create or strengthen a splice site, but this prediction has not been confirmed by published transcriptional studies. This variant has not been reported in the literature in individuals with PIGG-related conditions. This variant is not present in population databases (ExAC no frequency). This sequence change creates a premature translational stop signal (p.Gln411*) in the PIGG gene. It is expected to result in an absent or disrupted protein product. Loss-of-function variants in PIGG are known to be pathogenic (PMID: 26996948, 28581210, 28771251).

Literature cited by the submitters: PubMed 26996948 (cited by Labcorp Genetics (formerly Invitae), Labcorp); PubMed 28581210 (cited by Labcorp Genetics (formerly Invitae), Labcorp); PubMed 28771251 (cited by Labcorp Genetics (formerly Invitae), Labcorp).

NM_001127178.3(PIGG):c.1231C>T (p.Gln411Ter)

Gene: PIGG (phosphatidylinositol glycan anchor biosynthesis class G (EMM blood group); plus strand). Cytogenetic location: 4p16.3.
Variant type: single nucleotide variant.
Coding change: c.1231C>T on transcript NM_001127178.3 (MANE Select); coding-DNA position 1231, C replaced by T.
Protein change: p.Gln411Ter; replaces glutamine 411 with a stop codon.
Molecular consequence: nonsense. On other transcripts: 5 prime UTR variant (2), non-coding transcript variant (10), intron variant (1).
Genome position (GRCh38, 1-based): chr4:521,172, C>T. VCF-style: chr4-521172-C-T. GRCh37 (hg19) VCF-style: chr4-514961-C-T.
Other names: c.964C>T, p.Gln322Ter (NM_001289051.2, NM_001289053.2, NM_001345986.2 and 1 more transcripts); c.832C>T, p.Gln278Ter (NM_001289052.2); c.865C>T, p.Gln289Ter (NM_001289055.2); c.202C>T, p.Gln68Ter (NM_001345988.2); c.1231C>T, p.Gln411Ter (NM_001345989.2, NM_017733.5); c.-257C>T (NM_001345990.2, NM_001345991.2); c.157C>T, p.Gln53Ter (NM_001345994.2); c.848-488C>T (NM_001289057.2); and 1 more; short protein forms Q68*, Q278*, Q322*, Q53*, Q289*, Q411*.
Identifiers: ClinVar variation 1429425 (VCV001429425.7), dbSNP rs780498908, ClinGen allele CA355903897.